The following is an entry in ClinVar:

ClinVar aggregate classification (germline): Uncertain significance (1 of 4 stars; one submission).

Conditions:
Diffuse cerebral and cerebellar atrophy - intractable seizures - progressive microcephaly syndrome. Also called: Microcephaly, progressive, with seizures and cerebral and cerebellar atrophy. Identifiers: Orphanet 404437, MedGen C4014239, MONDO:0014335, OMIM 615760.

Allele frequency attached by ClinVar (database versions not stated): TOPMed below 0.00001; gnomAD 0.00001.
gnomAD v4.1: 3 of 1,614,098 alleles (0.00019%); highest among the groups gnomAD compares: African/African-American, 0.0013%; no homozygotes.

Submission:

Labcorp Genetics (formerly Invitae), Labcorp
Classification: Uncertain significance for Diffuse cerebral and cerebellar atrophy - intractable seizures - progressive microcephaly syndrome. Last evaluated: 2021-09-01. Review status: criteria provided, single submitter. Criteria: Invitae Variant Classification Sherloc (09022015). Collection method: clinical testing. Allele origin: germline.
Comment: This sequence change replaces threonine with isoleucine at codon 83 of the QARS protein (p.Thr83Ile). The threonine residue is highly conserved and there is a moderate physicochemical difference between threonine and isoleucine. This variant is not present in population databases (ExAC no frequency). This variant has not been reported in the literature in individuals affected with QARS-related conditions. Algorithms developed to predict the effect of missense changes on protein structure and function are either unavailable or do not agree on the potential impact of this missense change (SIFT: "Deleterious"; PolyPhen-2: "Probably Damaging"; Align-GVGD: "Class C0"). In summary, the available evidence is currently insufficient to determine the role of this variant in disease. Therefore, it has been classified as a Variant of Uncertain Significance.

NM_005051.3(QARS1):c.248C>T (p.Thr83Ile)

Gene: QARS1 (glutaminyl-tRNA synthetase 1; minus strand). Cytogenetic location: 3p21.31.
Variant type: single nucleotide variant.
Coding change: c.248C>T on transcript NM_005051.3 (MANE Select); coding-DNA position 248, C replaced by T.
Protein change: p.Thr83Ile; replaces threonine 83 with isoleucine.
Molecular consequence: missense variant. On other transcripts: intron variant (1).
Genome position (GRCh38, 1-based): chr3:49,104,341, G>A on the plus strand (C>T on the coding strand, the complement: QARS1 is on the minus strand). VCF-style: chr3-49104341-G-A. GRCh37 (hg19) VCF-style: chr3-49141774-G-A.
Other names: c.232+16C>T (NM_001272073.2); short protein forms T83I.
Identifiers: ClinVar variation 861433 (VCV000861433.4), dbSNP rs2042510350, ClinGen allele CA352722406.